The following is an entry in ClinVar:

ClinVar aggregate classification (germline): Likely benign. Review status: criteria provided, single submitter (1 of 4 stars). 2 submissions from 2 submitters: Likely benign (1). 1 of the submissions does not count toward it. Last evaluated 2018-01-13.

Conditions:
DRD3-related disorder. Also called: DRD3-related condition.
Tremor, hereditary essential, 1 (ETM1). Also called: Familial essential tremor. Identifiers: MedGen C1860861, MONDO:0008590, OMIM 190300.

Allele frequency attached by ClinVar (database versions not stated): gnomAD exomes 0.00041; ExAC 0.00049; gnomAD 0.00165 and 0.00175; ESP Exome Variant Server 0.00177; 1000 Genomes Project 0.00180; TOPMed 0.00186; 1000 Genomes Project 30x 0.00187.
gnomAD v4.1: 447 of 1,614,048 alleles (0.028%); highest among the groups gnomAD compares: African/African-American, 0.54%; no homozygotes.

Submissions (2):

Illumina Laboratory Services, Illumina
Classification: Likely benign for Tremor, hereditary essential, 1. Last evaluated: 2018-01-13. Review status: criteria provided, single submitter. Criteria: ICSL Variant Classification Criteria 13 December 2019. Collection method: clinical testing. Allele origin: germline.
Comment: This variant was observed in the ICSL laboratory as part of a predisposition screen in an ostensibly healthy population. It had not been previously curated by ICSL or reported in the Human Gene Mutation Database (HGMD: prior to June 1st, 2018), and was therefore a candidate for classification through an automated scoring system. Utilizing variant allele frequency, disease prevalence and penetrance estimates, and inheritance mode, an automated score was calculated to assess if this variant is too frequent to cause the disease. Based on the score and internal cut-off values, a variant classified as likely benign is not then subjected to further curation. The score for this variant resulted in a classification of likely benign for this disease.

PreventionGenetics, part of Exact Sciences
Classification: Likely benign for DRD3-related condition. Last evaluated: 2022-05-09. Review status: no assertion criteria provided. Collection method: clinical testing. Allele origin: germline. Not counted in ClinVar's aggregate classification.
Comment: This variant is classified as likely benign based on ACMG/AMP sequence variant interpretation guidelines (Richards et al. 2015 PMID: 25741868, with internal and published modifications).

NM_000796.6(DRD3):c.691T>A (p.Cys231Ser)

Gene: DRD3 (dopamine receptor D3; minus strand). Cytogenetic location: 3q13.31.
Variant type: single nucleotide variant.
Coding change: c.691T>A on transcript NM_000796.6 (MANE Select); coding-DNA position 691, T replaced by A.
Protein change: p.Cys231Ser; replaces cysteine 231 with serine.
Molecular consequence: missense variant.
Genome position (GRCh38, 1-based): chr3:114,139,532, A>T on the plus strand (T>A on the coding strand, the complement: DRD3 is on the minus strand). VCF-style: chr3-114139532-A-T. GRCh37 (hg19) VCF-style: chr3-113858379-A-T.
Other names: c.691T>A (NM_000796.5); c.691T>A, p.Cys231Ser (NM_001282563.2, NM_001290809.1, NM_033663.6); short protein forms C231S.
Identifiers: ClinVar variation 342599 (VCV000342599.7), dbSNP rs150042478, ClinGen allele CA2550549.